The following is an entry in ClinVar:

NM_012309.5(SHANK2):c.2061+4G>A

Gene: SHANK2 (SH3 and multiple ankyrin repeat domains 2; minus strand). Cytogenetic location: 11q13.4.
Variant type: single nucleotide variant.
Coding change: c.2061+4G>A on transcript NM_012309.5 (MANE Select); 4 bases into the intron after coding-DNA position 2061, G replaced by A.
Molecular consequence: intron variant.
Genome position (GRCh38, 1-based): chr11:70,659,824, C>T on the plus strand (G>A on the coding strand, the complement: SHANK2 is on the minus strand). VCF-style: chr11-70659824-C-T. GRCh37 (hg19) VCF-style: chr11-70505929-C-T.
Other names: c.2061+4G>A (NM_001441030.1, NM_001441032.1, NM_001441037.1 and 11 more transcripts); c.1989+4G>A (NM_001441038.1); c.2232+4G>A (NM_001441024.1); c.924+4G>A (NM_001441041.1, NM_001441040.1, NM_001379226.1); c.297+4G>A (NM_001441047.1, NM_001441046.1, NM_001441045.1 and 4 more transcripts).
Identifiers: ClinVar variation 4822506 (VCV004822506.4).

ClinVar aggregate classification (germline): Uncertain significance (1 of 4 stars; one submission).

gnomAD v4.1: 2 of 1,614,050 alleles (0.00012%); highest among the groups gnomAD compares: Non-Finnish European, 0.00017%; no homozygotes.

Submission:

CeGaT Center for Human Genetics Tuebingen
Classification: Uncertain significance. Last evaluated: 2026-01-01. Review status: criteria provided, single submitter. Criteria: CeGaT Center For Human Genetics Tuebingen Variant Classification Criteria Version 2. Collection method: clinical testing. Allele origin: germline. Affected: yes. Observed: 1 variant allele.
Comment: SHANK2: PM2, BP4